The following is an entry in ClinVar:

ClinVar aggregate classification (germline): Uncertain significance. Review status: criteria provided, multiple submitters, no conflicts (2 of 4 stars). 6 submissions from 6 submitters: Uncertain significance (5). 1 of the submissions does not count toward it. Last evaluated 2026-07-01.

Conditions:
Glycogen storage disease, type II (IOPD). Also called: GLYCOGENOSIS, GENERALIZED, CARDIAC FORM; GSD II; Glycogen storage disease type 2; Acid maltase deficiency disease; Aglucosidase alfa; Deficiency of alpha-glucosidase. Identifiers: Orphanet 365, MedGen C0017921, MONDO:0009290, OMIM 232300.

Allele frequency attached by ClinVar (database versions not stated): gnomAD exomes below 0.00001; gnomAD 0.00001.
gnomAD v4.1: 4 of 1,612,220 alleles (0.00025%); highest among the groups gnomAD compares: African/African-American, 0.0027%; no homozygotes.

Submissions (6):

Genomenon, Inc
Classification: Uncertain significance for Glycogen storage disease, type II. Last evaluated: 2026-07-01. Review status: criteria provided, single submitter. Criteria: Genomenon Sequence Variant Interpretation Standards - Updated. Collection method: curation. Allele origin: germline. Affected: yes.
Comment: GAA p.Glu192Lys (c.574G>A) is a missense variant that changes the amino acid at codon 192 from Glutamic acid to Lysine. This variant has been observed in at least one proband with a GAA-related disorder (PMID:39213226). It is absent or not present at a significant frequency in gnomAD. In silico models predict that this variant is possibly or probably damaging. In conclusion, we classify GAA p.Glu192Lys (c.574G>A) as a variant of uncertain significance.

Myriad Genetics, Inc.
Classification: Uncertain significance for Glycogen storage disease, type II. Last evaluated: 2026-04-17. Review status: criteria provided, single submitter. Criteria: Myriad Autosomal Dominant, Autosomal Recessive and X-Linked Classification Criteria (2023). Collection method: clinical testing. Allele origin: unknown.
Comment: NM_000152.3(GAA):c.574G>A(E192K) is a missense variant classified as a variant of uncertain significance in the context of Pompe disease. E192K has been observed in a case with relevant disease (PMID: 39213226). Relevant functional assessments of this variant are not available in the literature. E192K has not been observed in referenced population frequency databases. In summary, there is insufficient evidence to classify NM_000152.3(GAA):c.574G>A(E192K) as pathogenic or benign. Please note: this variant was assessed in the context of healthy population screening.

Labcorp Genetics (formerly Invitae), Labcorp
Classification: Uncertain significance for Glycogen storage disease, type II. Last evaluated: 2025-10-29. Review status: criteria provided, single submitter. Criteria: Invitae Variant Classification Sherloc (09022015). Collection method: clinical testing. Allele origin: germline.
Comment: This sequence change replaces glutamic acid, which is acidic and polar, with lysine, which is basic and polar, at codon 192 of the GAA protein (p.Glu192Lys). This variant is present in population databases (no rsID available, gnomAD 0.01%). This variant has not been reported in the literature in individuals affected with GAA-related conditions. ClinVar contains an entry for this variant (Variation ID: 1052736). Invitae Evidence Modeling of protein sequence and biophysical properties (such as structural, functional, and spatial information, amino acid conservation, physicochemical variation, residue mobility, and thermodynamic stability) indicates that this missense variant is expected to disrupt GAA protein function with a positive predictive value of 95%. In summary, the available evidence is currently insufficient to determine the role of this variant in disease. Therefore, it has been classified as a Variant of Uncertain Significance.

Genome-Nilou Lab
Classification: Uncertain significance for Glycogen storage disease, type II. Last evaluated: 2021-09-05. Review status: criteria provided, single submitter. Criteria: ACMG Guidelines, 2015. Collection method: clinical testing. Allele origin: germline. Affected: no.

GeneDx
Classification: Uncertain significance. Last evaluated: 2020-01-20. Review status: criteria provided, single submitter. Criteria: GeneDx Variant Classification Process June 2021. Collection method: clinical testing. Allele origin: germline. Affected: yes.
Comment: Not observed[at a significant frequency in large population cohorts (Lek et al., 2016); In silico analysis, which includes protein predictors and evolutionary conservation, supports a deleterious effect; Has not been previously published as pathogenic or benign to our knowledge

Natera, Inc.
Classification: Uncertain significance for Glycogen storage disease type II. Last evaluated: 2020-12-01. Review status: no assertion criteria provided. Collection method: clinical testing. Allele origin: germline. Not counted in ClinVar's aggregate classification.

Literature cited by the submitters: PubMed 39213226 (cited by Genomenon, Inc and Myriad Genetics, Inc.).

NM_000152.5(GAA):c.574G>A (p.Glu192Lys)

Gene: GAA (alpha glucosidase; plus strand). Cytogenetic location: 17q25.3.
Variant type: single nucleotide variant.
Coding change: c.574G>A on transcript NM_000152.5 (MANE Select); coding-DNA position 574, G replaced by A.
Protein change: p.Glu192Lys; replaces glutamic acid 192 with lysine.
Molecular consequence: missense variant.
Genome position (GRCh38, 1-based): chr17:80,105,776, G>A. VCF-style: chr17-80105776-G-A. GRCh37 (hg19) VCF-style: chr17-78079575-G-A.
Other names: c.574G>A, p.Glu192Lys (NM_001079803.3, NM_001079804.3); short protein forms E192K.
Identifiers: ClinVar variation 1052736 (VCV001052736.16), dbSNP rs1407372901, ClinGen allele CA401362134.